The following is an entry in ClinVar:

NM_001170700.3(DTHD1):c.1012G>T (p.Asp338Tyr)

Gene: DTHD1 (death domain containing 1; plus strand). Cytogenetic location: 4p14.
Variant type: single nucleotide variant.
Coding change: c.1012G>T on transcript NM_001170700.3 (MANE Select); coding-DNA position 1012, G replaced by T.
Protein change: p.Asp338Tyr; replaces aspartic acid 338 with tyrosine.
Molecular consequence: missense variant. On other transcripts: non-coding transcript variant (2).
Genome position (GRCh38, 1-based): chr4:36,290,497, G>T. VCF-style: chr4-36290497-G-T. GRCh37 (hg19) VCF-style: chr4-36292119-G-T.
Other names: c.142G>T, p.Asp48Tyr (NM_001136536.5, NM_001378435.1); short protein forms D338Y, D48Y.
Identifiers: ClinVar variation 852218 (VCV000852218.10), dbSNP rs1329859259, ClinGen allele CA356678836.

ClinVar aggregate classification (germline): Uncertain significance. Review status: criteria provided, multiple submitters, no conflicts (2 of 4 stars). 2 submissions from 2 submitters: Uncertain significance (2). Last evaluated 2024-09-03.

Allele frequency attached by ClinVar (database versions not stated): gnomAD exomes 0.00001 and 0.00003; TOPMed 0.00001; gnomAD 0.00003.
gnomAD v4.1: 38 of 1,551,588 alleles (0.0024%); highest among the groups gnomAD compares: Non-Finnish European, 0.0033%; no homozygotes.

Submissions (2):

Blueprint Genetics
Classification: Uncertain significance. Last evaluated: 2024-09-03. Review status: criteria provided, single submitter. Criteria: ACMG Guidelines, 2015. Collection method: clinical testing. Allele origin: germline.

Labcorp Genetics (formerly Invitae), Labcorp
Classification: Uncertain significance. Last evaluated: 2024-07-10. Review status: criteria provided, single submitter. Criteria: Invitae Variant Classification Sherloc (09022015). Collection method: clinical testing. Allele origin: germline.
Comment: This sequence change replaces aspartic acid, which is acidic and polar, with tyrosine, which is neutral and polar, at codon 48 of the DTHD1 protein (p.Asp48Tyr). This variant is present in population databases (no rsID available, gnomAD 0.003%). This variant has not been reported in the literature in individuals affected with DTHD1-related conditions. ClinVar contains an entry for this variant (Variation ID: 852218). An algorithm developed to predict the effect of missense changes on protein structure and function (PolyPhen-2) suggests that this variant is likely to be disruptive. In summary, the available evidence is currently insufficient to determine the role of this variant in disease. Therefore, it has been classified as a Variant of Uncertain Significance.